The following is an entry in ClinVar:

ClinVar aggregate classification (germline): Likely benign (1 of 4 stars; one submission).

Submission:

CeGaT Center for Human Genetics Tuebingen
Classification: Likely benign. Last evaluated: 2025-06-01. Review status: criteria provided, single submitter. Criteria: CeGaT Center For Human Genetics Tuebingen Variant Classification Criteria Version 2. Collection method: clinical testing. Allele origin: germline. Affected: yes. Observed: 1 variant allele.
Comment: SRRM2: BP4

NM_016333.4(SRRM2):c.2656C>T (p.Pro886Ser)

Gene: SRRM2 (serine/arginine repetitive matrix 2; plus strand). Cytogenetic location: 16p13.3.
Variant type: single nucleotide variant.
Coding change: c.2656C>T on transcript NM_016333.4 (MANE Select); coding-DNA position 2656, C replaced by T.
Protein change: p.Pro886Ser; replaces proline 886 with serine.
Molecular consequence: missense variant.
Genome position (GRCh38, 1-based): chr16:2,763,184, C>T. VCF-style: chr16-2763184-C-T. GRCh37 (hg19) VCF-style: chr16-2813185-C-T.
Other names: short protein forms P886S.
Identifiers: ClinVar variation 3905611 (VCV003905611.10).
Genomic context (GRCh38, chr16:2,763,184, plus strand): 5'-ACGCCACAGAGACGGAGCTGTTTTGAATCATCACCTGACCCTGAGTTGAAATCTAGGACC[C>T]CTTCTAGACATAGCTGCTCAGGGTCCTCTCCTCCTAGAGTGAAATCTAGCACACCTCCCA-3'
Protein context (NP_057417.3, residues 876-896): SPDPELKSRT[Pro886Ser]SRHSCSGSSP